The following continues an entry in ClinVar:

NM_000492.3(CFTR):c.1210-12T[5]

ClinVar aggregate classification (germline): Pathogenic/Likely pathogenic. Pathogenic (23); Likely pathogenic (4).

Submission 48 of 48:

Laboratory for Molecular Medicine, Mass General Brigham Personalized Medicine
Classification: Uncertain significance. Last evaluated: 2016-01-14. Review status: flagged submission. Criteria: LMM Criteria. Collection method: clinical testing. Allele origin: germline. Observed: 2 variant alleles. Not counted in ClinVar's aggregate classification.
Comment: The c.1210-34TG[11]T[5] in intron 9 of CFTR is a variant of the polymorphic TG[n ]T[m] region adjacent to exon 10. The T[5] allele has been identified in an ave rage of 4.3% of individuals from a population of European American chromosomes ( Groman 2004) and has been shown to affect splicing in small percentage of transc ripts (Chu 1993). The length of the TG tract modifies the overall risk with lon ger TG repeat sizes (TG 12 and 13) showing the greatest susceptibility to diseas e when present in trans with a pathogenic cystic fibrosis variant (Chu 1992, Cup pens 1998, Groman 2004, Radpour 2007). The combination of the T[5] and TG[11] is least likely to exhibit an abnormal phenotype but a modest increased risk canno t be excluded (Cuppens 1998; Groman 2004). The associated CF-related symptoms ar e congenital bilateral absence of the vas deferens (CBAVD), male infertility, mi ld to classic forms of cystic fibrosis, with severity depending of the CF varian t on the opposite allele (Chillon 1995). In summary, the clinical significance o f the 1210-34TG[11]T[5] is uncertain.
ClinVar note: Reason: Outlier claim with insufficient supporting evidence

Literature cited by the submitters: PubMed 27447098 (cited by 3 submitters); PubMed 17234733 (cited by Ambry Genetics); PubMed 21658649 (cited by Ambry Genetics and Labcorp Genetics (formerly Invitae), Labcorp); PubMed 23951356 (cited by Ambry Genetics); PubMed 25383785 (cited by Ambry Genetics); PubMed 27469177 (cited by Ambry Genetics); PubMed 19092437 (cited by Women's Health and Genetics/Laboratory Corporation of America, LabCorp); PubMed 11354633 (cited by Women's Health and Genetics/Laboratory Corporation of America, LabCorp); PubMed 7684646 (cited by 3 submitters); PubMed 9435322 (cited by 3 submitters); PubMed 14685937 (cited by 5 submitters); PubMed 17329263 (cited by Women's Health and Genetics/Laboratory Corporation of America, LabCorp); PubMed 15905293 (cited by Women's Health and Genetics/Laboratory Corporation of America, LabCorp); PubMed 17489851 (cited by Women's Health and Genetics/Laboratory Corporation of America, LabCorp); PubMed 11729110 (cited by Women's Health and Genetics/Laboratory Corporation of America, LabCorp); PubMed 20691141 (cited by Women's Health and Genetics/Laboratory Corporation of America, LabCorp); PubMed 18456578 (cited by Women's Health and Genetics/Laboratory Corporation of America, LabCorp); PubMed 21520337 (cited by Women's Health and Genetics/Laboratory Corporation of America, LabCorp and Labcorp Genetics (formerly Invitae), Labcorp); PubMed 14993601 (cited by Women's Health and Genetics/Laboratory Corporation of America, LabCorp and OMIM); PubMed 16840743 (cited by Women's Health and Genetics/Laboratory Corporation of America, LabCorp); PubMed 18685558 (cited by Women's Health and Genetics/Laboratory Corporation of America, LabCorp); PubMed 23810505 (cited by Women's Health and Genetics/Laboratory Corporation of America, LabCorp); PubMed 22842702 (cited by Women's Health and Genetics/Laboratory Corporation of America, LabCorp); PubMed 16778595 (cited by Women's Health and Genetics/Laboratory Corporation of America, LabCorp and Labcorp Genetics (formerly Invitae), Labcorp); PubMed 25251442 (cited by Women's Health and Genetics/Laboratory Corporation of America, LabCorp); PubMed 10668931 (cited by Women's Health and Genetics/Laboratory Corporation of America, LabCorp); PubMed 18567645 (cited by Women's Health and Genetics/Laboratory Corporation of America, LabCorp); PubMed 28456595 (cited by Illumina Laboratory Services, Illumina); PubMed 16126774 (cited by Illumina Laboratory Services, Illumina); PubMed 34196078 (cited by Illumina Laboratory Services, Illumina and Labcorp Genetics (formerly Invitae), Labcorp); PubMed 20301428 (cited by Illumina Laboratory Services, Illumina and GeneReviews); PubMed 10556281 (cited by Illumina Laboratory Services, Illumina and Labcorp Genetics (formerly Invitae), Labcorp); PubMed 7691356 (cited by Labcorp Genetics (formerly Invitae), Labcorp); PubMed 7684641 (cited by Labcorp Genetics (formerly Invitae), Labcorp); PubMed 23974870 (cited by Myriad Genetics, Inc.); PubMed 7573058 (cited by OMIM); PubMed 7506096 (cited by 3 submitters); PubMed 8556303 (cited by OMIM); PubMed 2344617 (cited by OMIM); PubMed 18507830 (cited by OMIM); PubMed 15371902 (cited by GeneReviews); PubMed 11491164 (cited by GeneReviews); PubMed 10103316 (cited by GeneReviews); PubMed 11069835 (cited by Laboratory for Molecular Medicine, Mass General Brigham Personalized Medicine); PubMed 17314234 (cited by Laboratory for Molecular Medicine, Mass General Brigham Personalized Medicine); PubMed 16020494 (cited by Laboratory for Molecular Medicine, Mass General Brigham Personalized Medicine); PubMed 7739684 (cited by Laboratory for Molecular Medicine, Mass General Brigham Personalized Medicine); PubMed 1381723 (cited by Laboratory for Molecular Medicine, Mass General Brigham Personalized Medicine); PubMed 16263954 (cited by Laboratory for Molecular Medicine, Mass General Brigham Personalized Medicine).